The following is an entry in ClinVar:

ClinVar aggregate classification (germline): Likely benign (0 of 4 stars; one submission).

Conditions:
SLC12A3-related disorder. Also called: SLC12A3-related condition.

Allele frequency attached by ClinVar (database versions not stated): 1000 Genomes Project 0.00080; TOPMed 0.00092; 1000 Genomes Project 30x 0.00094; gnomAD 0.00094.
gnomAD v4.1: 142 of 152,368 alleles (0.093%); highest among the groups gnomAD compares: Middle Eastern, 1%; no homozygotes.

Submission:

PreventionGenetics, part of Exact Sciences
Classification: Likely benign for SLC12A3-related condition. Last evaluated: 2021-05-05. Review status: no assertion criteria provided. Collection method: clinical testing. Allele origin: germline.
Comment: This variant is classified as likely benign based on ACMG/AMP sequence variant interpretation guidelines (Richards et al. 2015 PMID: 25741868, with internal and published modifications).

NM_001126108.2(SLC12A3):c.1670-190G>A

Gene: SLC12A3 (solute carrier family 12 member 3; plus strand). Cytogenetic location: 16q13.
Variant type: single nucleotide variant.
Coding change: c.1670-190G>A on transcript NM_001126108.2 (MANE Select); 190 bases into the intron before coding-DNA position 1670, G replaced by A.
Molecular consequence: intron variant.
Genome position (GRCh38, 1-based): chr16:56,883,859, G>A. VCF-style: chr16-56883859-G-A. GRCh37 (hg19) VCF-style: chr16-56917771-G-A.
Other names: c.1670-190G>A (NM_000339.3); c.1667-190G>A (NM_001126107.2, NM_001410896.1).
Identifiers: ClinVar variation 3050092 (VCV003050092.2), dbSNP rs537237439, ClinGen allele CA281504287.